The following is an entry in ClinVar:

NM_000030.3(AGXT):c.774G>T (p.Arg258Ser)

Gene: AGXT (alanine--glyoxylate aminotransferase; plus strand). Cytogenetic location: 2q37.3.
Variant type: single nucleotide variant.
Coding change: c.774G>T on transcript NM_000030.3 (MANE Select); coding-DNA position 774, G replaced by T.
Protein change: p.Arg258Ser; replaces arginine 258 with serine.
Molecular consequence: missense variant.
Genome position (GRCh38, 1-based): chr2:240,875,202, G>T. VCF-style: chr2-240875202-G-T. GRCh37 (hg19) VCF-style: chr2-241814619-G-T.
Other names: short protein forms R258S.
Identifiers: ClinVar variation 2664131 (VCV002664131.1), dbSNP rs755279152, ClinGen allele CA2209231.

ClinVar aggregate classification (germline): Uncertain significance (1 of 4 stars; one submission).

Conditions:
Primary hyperoxaluria, type I (HP1). Also called: OXALOSIS I; Primary hyperoxaluria type 1; GLYCOLIC ACIDURIA; HEPATIC AGT DEFICIENCY. Identifiers: Orphanet 416, Orphanet 93598, MedGen C0268164, MONDO:0009823, OMIM 259900. Disease mechanism: loss of function.

Allele frequency attached by ClinVar (database versions not stated): gnomAD exomes below 0.00001; ExAC 0.00002; gnomAD 0.00003; TOPMed 0.00005.

Submission:

Rare Kidney Stone Consortium and the Mayo Clinic Hyperoxaluria Center, Mayo Clinic
Classification: Uncertain significance for Primary hyperoxaluria, type I. Last evaluated: 2023-10-27. Review status: criteria provided, single submitter. Criteria: ACMG Guidelines, 2015. Collection method: clinical testing. Allele origin: germline. Affected: yes.
Comment: ACMG: PM2 PP3 PP4

Literature cited by the submitters: PubMed 34805638.